The following is an entry in ClinVar:

ClinVar aggregate classification (germline): Uncertain significance (1 of 4 stars; one submission).

Conditions:
Inborn genetic diseases. Identifiers: MedGen C0950123, MeSH D030342.

gnomAD v4.1: 1 of 1,613,854 alleles (0.000062%); highest among the groups gnomAD compares: Non-Finnish European, 0.000085%; no homozygotes.

Submission:

Ambry Genetics
Classification: Uncertain significance for Inborn genetic diseases. Last evaluated: 2026-03-17. Review status: criteria provided, single submitter. Criteria: Ambry Variant Classification Scheme 2023. Collection method: clinical testing. Allele origin: germline.
Comment: The p.V287L variant (also known as c.859G>C), located in coding exon 5 of the ERCC6L2 gene, results from a G to C substitution at nucleotide position 859. The valine at codon 287 is replaced by leucine, an amino acid with highly similar properties. This amino acid position is conserved. In addition, the in silico prediction for this alteration is inconclusive. Based on the available evidence, the clinical significance of this variant remains unclear.

NM_020207.7(ERCC6L2):c.859G>C (p.Val287Leu)

Gene: ERCC6L2 (ERCC excision repair 6 like 2; plus strand). Cytogenetic location: 9q22.32.
Variant type: single nucleotide variant.
Coding change: c.859G>C on transcript NM_020207.7 (MANE Select); coding-DNA position 859, G replaced by C.
Protein change: p.Val287Leu; replaces valine 287 with leucine.
Molecular consequence: missense variant. On other transcripts: non-coding transcript variant (1).
Genome position (GRCh38, 1-based): chr9:95,915,738, G>C. VCF-style: chr9-95915738-G-C. GRCh37 (hg19) VCF-style: chr9-98678020-G-C.
Other names: c.859G>C, p.Val287Leu (NM_001010895.4, NM_001375291.1, NM_001375292.1 and 2 more transcripts); short protein forms V287L.
Identifiers: ClinVar variation 4870568 (VCV004870568.1).